The following is an entry in ClinVar:

GRCh37/hg19 17p12(chr17:14073563-15479923)x3

Genes: CDRT15 (CMT1A duplicated region transcript 15; minus strand), CDRT4 (CMT1A duplicated region transcript 4; minus strand), COX10 (cytochrome c oxidase assembly factor heme A:farnesyltransferase COX10; plus strand), HS3ST3B1 (heparan sulfate-glucosamine 3-sulfotransferase 3B1; plus strand), PMP22 (peripheral myelin protein 22; minus strand) and 3 more. Cytogenetic location: 17p12.
Variant type: copy number gain.
Change: copy number 3 (three copies instead of two) of chr17:14,073,563-15,479,923 (1.41 Mb, GRCh37 coordinates, 1-based), cytogenetic band 17p12.
Identifiers: ClinVar variation 1808614 (VCV001808614.1).

ClinVar aggregate classification (germline): Pathogenic (1 of 4 stars; one submission).

Submission:

Quest Diagnostics Nichols Institute San Juan Capistrano
Classification: Pathogenic. Last evaluated: 2022-03-28. Review status: criteria provided, single submitter. Criteria: ACMG/ClinGen CNV Guidelines, 2019. Collection method: clinical testing. Allele origin: unknown.
Comment: This copy number gain includes the PMP22 gene (OMIM 601097) and is consistent with Charcot-Marie-Tooth disease type 1A (OMIM 118220). Duplication of PMP22 accounts for 70-80% of all Charcot-Marie-Tooth neuropathy type 1 (CMT1), a demyelinating peripheral neuropathy characterized by distal muscle weakness, atrophy, sensory loss, and slow nerve conduction velocity. The penetrance of this duplication is thought to be near 100%; however, age of onset and severity of the condition are variable, and some carriers are not clinically recognized. Approximately two thirds of PMP22 duplications are inherited. See GeneReviews for additional information and references.